The following is an entry in ClinVar:

NM_005559.4(LAMA1):c.5617G>A (p.Asp1873Asn)

Gene: LAMA1 (laminin subunit alpha 1; minus strand). Cytogenetic location: 18p11.31.
Variant type: single nucleotide variant.
Coding change: c.5617G>A on transcript NM_005559.4 (MANE Select); coding-DNA position 5617, G replaced by A.
Protein change: p.Asp1873Asn; replaces aspartic acid 1873 with asparagine.
Molecular consequence: missense variant.
Genome position (GRCh38, 1-based): chr18:6,985,280, C>T on the plus strand (G>A on the coding strand, the complement: LAMA1 is on the minus strand). VCF-style: chr18-6985280-C-T. GRCh37 (hg19) VCF-style: chr18-6985279-C-T.
Other names: short protein forms D1873N.
Identifiers: ClinVar variation 1949199 (VCV001949199.5), dbSNP rs745499241, ClinGen allele CA8881546.

ClinVar aggregate classification (germline): Uncertain significance (1 of 4 stars; one submission).

gnomAD v4.1: 4 of 1,614,194 alleles (0.00025%); highest among the groups gnomAD compares: Non-Finnish European, 0.00025%; no homozygotes.

Submission:

Labcorp Genetics (formerly Invitae), Labcorp
Classification: Uncertain significance. Last evaluated: 2022-07-12. Review status: criteria provided, single submitter. Criteria: Invitae Variant Classification Sherloc (09022015). Collection method: clinical testing. Allele origin: germline.
Comment: This sequence change replaces aspartic acid, which is acidic and polar, with asparagine, which is neutral and polar, at codon 1873 of the LAMA1 protein (p.Asp1873Asn). This variant is present in population databases (rs745499241, gnomAD 0.0009%). This variant has not been reported in the literature in individuals affected with LAMA1-related conditions. Algorithms developed to predict the effect of missense changes on protein structure and function (SIFT, PolyPhen-2, Align-GVGD) all suggest that this variant is likely to be tolerated. In summary, the available evidence is currently insufficient to determine the role of this variant in disease. Therefore, it has been classified as a Variant of Uncertain Significance.